The following is an entry in ClinVar:

NM_001999.4(FBN2):c.68C>G (p.Ala23Gly)

Gene: FBN2 (fibrillin 2; minus strand). Cytogenetic location: 5q23.3.
Variant type: single nucleotide variant.
Coding change: c.68C>G on transcript NM_001999.4 (MANE Select); coding-DNA position 68, C replaced by G.
Protein change: p.Ala23Gly; replaces alanine 23 with glycine.
Molecular consequence: missense variant.
Genome position (GRCh38, 1-based): chr5:128,537,536, G>C on the plus strand (C>G on the coding strand, the complement: FBN2 is on the minus strand). VCF-style: chr5-128537536-G-C. GRCh37 (hg19) VCF-style: chr5-127873229-G-C.
Other names: short protein forms A23G.
Identifiers: ClinVar variation 213218 (VCV000213218.64), dbSNP rs199560824, ClinGen allele CA323989.

ClinVar aggregate classification (germline): Conflicting classifications of pathogenicity. Review status: criteria provided, conflicting classifications (1 of 4 stars). 8 submissions from 8 submitters: Uncertain significance (3); Likely benign (5). Last evaluated 2026-08-01.

Conditions:
FBN2-related disorder. Also called: FBN2-related condition.
Familial thoracic aortic aneurysm and aortic dissection (TAAD). Also called: Thoracic aortic aneurysms and dissections. Identifiers: Orphanet 91387, MedGen C4707243, MONDO:0019625.
Congenital contractural arachnodactyly (CCA). Also called: Arthrogryposis, distal, type 9; Beals-Hecht syndrome; BEALS SYNDROME. Identifiers: Orphanet 115, MedGen C0220668, MONDO:0007363, OMIM 121050.

Allele frequency attached by ClinVar (database versions not stated): gnomAD 0.00012 and 0.00014; TOPMed 0.00015; gnomAD exomes 0.00018; ESP Exome Variant Server 0.00023; ExAC 0.00038.
gnomAD v4.1: 513 of 1,590,704 alleles (0.032%); highest among the groups gnomAD compares: Non-Finnish European, 0.042%; no homozygotes.

Submissions (8):

CeGaT Center for Human Genetics Tuebingen
Classification: Likely benign. Last evaluated: 2026-08-01. Review status: criteria provided, single submitter. Criteria: CeGaT Center For Human Genetics Tuebingen Variant Classification Criteria Version 2. Collection method: clinical testing. Allele origin: germline. Affected: yes. Observed: 1 variant allele.
Comment: FBN2: BS2

Labcorp Genetics (formerly Invitae), Labcorp
Classification: Likely benign for Congenital contractural arachnodactyly. Last evaluated: 2025-12-24. Review status: criteria provided, single submitter. Criteria: Invitae Variant Classification Sherloc (09022015). Collection method: clinical testing. Allele origin: germline.

Women's Health and Genetics/Laboratory Corporation of America, LabCorp
Classification: Uncertain significance. Last evaluated: 2025-09-15. Review status: criteria provided, single submitter. Criteria: LabCorp Variant Classification Summary - May 2015. Collection method: clinical testing. Allele origin: germline.
Comment: Variant summary: FBN2 c.68C>G (p.Ala23Gly) results in a non-conservative amino acid change in the encoded protein sequence. Algorithms developed to predict the effect of missense changes on protein structure and function are either unavailable or do not agree on the potential impact of this missense change. The variant allele was found at a frequency of 0.00018 in 208522 control chromosomes. This frequency is not significantly higher than estimated for disease-causing variants in FBN2, allowing no conclusion about variant significance. c.68C>G has been observed in individual(s) affected with spontaneous coronary artery dissection (Antonutti_2021). These report(s) do not provide unequivocal conclusions about association of the variant with Nonsyndromic Heritable Thoracic Aortic Aneurysms And Dissections. To our knowledge, no experimental evidence demonstrating an impact on protein function has been reported. The following publication has been ascertained in the context of this evaluation (PMID: 33190788). ClinVar contains an entry for this variant (Variation ID: 213218). Based on the evidence outlined above, the variant was classified as uncertain significance.

Ambry Genetics
Classification: Uncertain significance for Familial thoracic aortic aneurysm and aortic dissection. Last evaluated: 2024-12-16. Review status: criteria provided, single submitter. Criteria: Ambry Variant Classification Scheme 2023. Collection method: clinical testing. Allele origin: germline.
Comment: The p.A23G variant (also known as c.68C>G), located in coding exon 1 of the FBN2 gene, results from a C to G substitution at nucleotide position 68. The alanine at codon 23 is replaced by glycine, an amino acid with similar properties. This amino acid position is not well conserved in available vertebrate species. In addition, this alteration is predicted to be tolerated by in silico analysis. Since supporting evidence is limited at this time, the clinical significance of this alteration remains unclear.

Blueprint Genetics
Classification: Likely benign. Last evaluated: 2024-09-17. Review status: criteria provided, single submitter. Criteria: ACMG Guidelines, 2015. Collection method: clinical testing. Allele origin: germline.

GeneDx
Classification: Likely benign. Last evaluated: 2023-10-02. Review status: criteria provided, single submitter. Criteria: GeneDx Variant Classification Process June 2021. Collection method: clinical testing. Allele origin: germline. Affected: yes.
Comment: See Variant Classification Assertion Criteria.

PreventionGenetics, part of Exact Sciences
Classification: Uncertain significance for FBN2-related condition. Last evaluated: 2023-05-04. Review status: criteria provided, single submitter. Criteria: ACMG Guidelines, 2015. Collection method: clinical testing. Allele origin: germline.
Comment: The FBN2 c.68C>G variant is predicted to result in the amino acid substitution p.Ala23Gly. To our knowledge, this variant has not been reported in the literature. This variant is reported in 0.036% of alleles in individuals of European (Non-Finnish) descent in gnomAD, which may be too frequent for an unreported disease-causing variant. In ClinVar, this variant has conflicting interpretations regarding its pathogenicity, ranging form uncertain to likely benign. The majority of congenital contractural arachnodactyly-causative variants in FBN2 substitute a cysteine residue to another amino acid and reside in the 13th to 23rd calcium binding-epidermal growth factor (cbEGF) like domains (Callewaert et al. 2009. PubMed ID: 19006240). The p.Ala23Gly change does not reside in a cbEGF- like domain and does not alter a cysteine residue. Although we suspect that this variant may be benign, at this time, the clinical significance of this variant is uncertain due to the absence of conclusive functional and genetic evidence.

Illumina Laboratory Services, Illumina
Classification: Likely benign for Congenital contractural arachnodactyly. Last evaluated: 2018-01-13. Review status: criteria provided, single submitter. Criteria: ICSL Variant Classification Criteria 13 December 2019. Collection method: clinical testing. Allele origin: germline.
Comment: This variant was observed in the ICSL laboratory as part of a predisposition screen in an ostensibly healthy population. It had not been previously curated by ICSL or reported in the Human Gene Mutation Database (HGMD: prior to June 1st, 2018), and was therefore a candidate for classification through an automated scoring system. Utilizing variant allele frequency, disease prevalence and penetrance estimates, and inheritance mode, an automated score was calculated to assess if this variant is too frequent to cause the disease. Based on the score and internal cut-off values, a variant classified as likely benign is not then subjected to further curation. The score for this variant resulted in a classification of likely benign for this disease.

Literature cited by the submitters: PubMed 33190788 (cited by Women's Health and Genetics/Laboratory Corporation of America, LabCorp).